The following is an entry in ClinVar:

ClinVar aggregate classification (germline): Uncertain significance (1 of 4 stars; one submission).

Conditions:
Ichthyosis linearis circumflexa. Identifiers: MedGen C0265962, MONDO:0043106, HP:0025810.

Submission:

Labcorp Genetics (formerly Invitae), Labcorp
Classification: Uncertain significance for Ichthyosis linearis circumflexa. Last evaluated: 2021-08-09. Review status: criteria provided, single submitter. Criteria: Invitae Variant Classification Sherloc (09022015). Collection method: clinical testing. Allele origin: germline.
Comment: Algorithms developed to predict the effect of missense changes on protein structure and function are either unavailable or do not agree on the potential impact of this missense change (SIFT: "Deleterious"; PolyPhen-2: "Probably Damaging"; Align-GVGD: "Class C0"). This variant has not been reported in the literature in individuals affected with SPINK5-related conditions. This variant is not present in population databases (ExAC no frequency). This sequence change replaces valine with glutamic acid at codon 998 of the SPINK5 protein (p.Val998Glu). The valine residue is moderately conserved and there is a moderate physicochemical difference between valine and glutamic acid. In summary, the available evidence is currently insufficient to determine the role of this variant in disease. Therefore, it has been classified as a Variant of Uncertain Significance.

NM_006846.4(SPINK5):c.2993T>A (p.Val998Glu)

Gene: SPINK5 (serine peptidase inhibitor Kazal type 5; plus strand). Cytogenetic location: 5q32.
Variant type: single nucleotide variant.
Coding change: c.2993T>A on transcript NM_006846.4 (MANE Select); coding-DNA position 2993, T replaced by A.
Protein change: p.Val998Glu; replaces valine 998 with glutamic acid.
Molecular consequence: missense variant.
Genome position (GRCh38, 1-based): chr5:148,131,287, T>A. VCF-style: chr5-148131287-T-A. GRCh37 (hg19) VCF-style: chr5-147510850-T-A.
Other names: c.3083T>A, p.Val1028Glu (NM_001127698.2); short protein forms V1028E, V998E.
Identifiers: ClinVar variation 1468125 (VCV001468125.6), dbSNP rs1754564973, ClinGen allele CA361651990.
Genomic context (GRCh38, chr5:148,131,287, plus strand): 5'-AAGTACGTCTGCTTTATTTTTTGCTTCTTCAGGATTCTGAGATGTGCAAAGACTACCGAG[T>A]ATTGCCCAGGATAGGTTATCTTTGTCCAAAGGATTTAAAGCCTGTCTGTGGTGACGATGG-3'
Protein context (NP_006837.2, residues 988-1008): LDSEMCKDYR[Val998Glu]LPRIGYLCPK